The following is an entry in ClinVar:

ClinVar aggregate classification (germline): Likely benign (1 of 4 stars; one submission).

Allele frequency attached by ClinVar (database versions not stated): gnomAD exomes 0.00001 and 0.00002; ExAC 0.00003.
gnomAD v4.1: 9 of 1,210,786 alleles (0.00074%); highest among the groups gnomAD compares: South Asian, 0.0018%; no homozygotes.

Submission:

GeneDx
Classification: Likely benign. Last evaluated: 2015-04-10. Review status: criteria provided, single submitter. Criteria: GeneDx Variant Classification (06012015). Collection method: clinical testing. Allele origin: germline. Affected: yes.
Comment: This variant is considered likely benign or benign based on one or more of the following criteria: it is a conservative change, it occurs at a poorly conserved position in the protein, it is predicted to be benign by multiple in silico algorithms, and/or has population frequency not consistent with disease.

NM_001379451.1(BCORL1):c.4129C>T (p.Arg1377Cys)

Gene: BCORL1 (BCL6 corepressor like 1; plus strand). Cytogenetic location: Xq26.1.
Variant type: single nucleotide variant.
Coding change: c.4129C>T on transcript NM_001379451.1 (MANE Select); coding-DNA position 4129, C replaced by T.
Protein change: p.Arg1377Cys; replaces arginine 1377 with cysteine.
Molecular consequence: missense variant.
Genome position (GRCh38, 1-based): chrX:130,028,685, C>T. VCF-style: chrX-130028685-C-T. GRCh37 (hg19) VCF-style: chrX-129162660-C-T.
Other names: c.4129C>T, p.Arg1377Cys (NM_001184772.3, NM_001379450.1, NM_021946.5); short protein forms R1377C.
Identifiers: ClinVar variation 379326 (VCV000379326.1), dbSNP rs778386483, ClinGen allele CA10514644.